The following is an entry in ClinVar:

ClinVar aggregate classification (germline): Uncertain significance (1 of 4 stars; one submission).

Allele frequency attached by ClinVar (database versions not stated): gnomAD 0.00001; gnomAD exomes 0.00001; TOPMed 0.00001.
gnomAD v4.1: 10 of 1,550,192 alleles (0.00065%); highest among the groups gnomAD compares: Non-Finnish European, 0.00087%; no homozygotes.

Submission:

Labcorp Genetics (formerly Invitae), Labcorp
Classification: Uncertain significance. Last evaluated: 2024-05-08. Review status: criteria provided, single submitter. Criteria: Invitae Variant Classification Sherloc (09022015). Collection method: clinical testing. Allele origin: germline.
Comment: This sequence change replaces glutamic acid, which is acidic and polar, with lysine, which is basic and polar, at codon 2532 of the ZNF469 protein (p.Glu2532Lys). This variant is present in population databases (no rsID available, gnomAD 0.002%). This variant has not been reported in the literature in individuals affected with ZNF469-related conditions. Algorithms developed to predict the effect of missense changes on protein structure and function output the following: SIFT: "Not Available"; PolyPhen-2: "Benign"; Align-GVGD: "Not Available". The lysine amino acid residue is found in multiple mammalian species, which suggests that this missense change does not adversely affect protein function. In summary, the available evidence is currently insufficient to determine the role of this variant in disease. Therefore, it has been classified as a Variant of Uncertain Significance.

NM_001367624.2(ZNF469):c.7678G>A (p.Glu2560Lys)

Gene: ZNF469 (zinc finger protein 469; plus strand). Cytogenetic location: 16q24.2.
Variant type: single nucleotide variant.
Coding change: c.7678G>A on transcript NM_001367624.2 (MANE Select); coding-DNA position 7678, G replaced by A.
Protein change: p.Glu2560Lys; replaces glutamic acid 2560 with lysine.
Molecular consequence: missense variant.
Genome position (GRCh38, 1-based): chr16:88,435,148, G>A. VCF-style: chr16-88435148-G-A. GRCh37 (hg19) VCF-style: chr16-88501556-G-A.
Other names: short protein forms E2560K.
Identifiers: ClinVar variation 2968792 (VCV002968792.3), dbSNP rs998219753, ClinGen allele CA286383082.